The following is an entry in ClinVar:

ClinVar aggregate classification (germline): Uncertain significance (1 of 4 stars; one submission).

gnomAD v4.1: 16 of 1,613,870 alleles (0.00099%); highest among the groups gnomAD compares: East Asian, 0.0045%; no homozygotes.

Submission:

GeneDx
Classification: Uncertain significance. Last evaluated: 2018-05-18. Review status: criteria provided, single submitter. Criteria: GeneDx Variant Classification (06012015). Collection method: clinical testing. Allele origin: germline. Affected: yes.
Comment: A variant of uncertain significance has been identified in the LAMA2 gene. The P855R variant has not been published as a pathogenic variant, nor has it been reported as a benign variant to our knowledge. This variant is observed in 2/17248 (0.01%) alleles from individuals of East Asian background in large population cohorts (Lek et al., 2016). The P855R variant is a non-conservative amino acid substitution, which is likely to impact secondary protein structure as these residues differ in polarity, charge, size and/or other properties. In-silico analyses, including protein predictors and evolutionary conservation, support a deleterious effect. Therefore, based on the currently available information, it is unclear whether this variant is a pathogenic variant or a rare benign variant.

NM_000426.4(LAMA2):c.2564C>G (p.Pro855Arg)

Gene: LAMA2 (laminin subunit alpha 2; plus strand). Cytogenetic location: 6q22.33.
Variant type: single nucleotide variant.
Coding change: c.2564C>G on transcript NM_000426.4 (MANE Select); coding-DNA position 2564, C replaced by G.
Protein change: p.Pro855Arg; replaces proline 855 with arginine.
Molecular consequence: missense variant.
Genome position (GRCh38, 1-based): chr6:129,287,873, C>G. VCF-style: chr6-129287873-C-G. GRCh37 (hg19) VCF-style: chr6-129609018-C-G.
Other names: c.2564C>G, p.Pro855Arg (NM_001079823.2); short protein forms P855R.
Identifiers: ClinVar variation 546367 (VCV000546367.2), dbSNP rs754714449, ClinGen allele CA3993006.